The following is an entry in ClinVar:

ClinVar aggregate classification (germline): Uncertain significance (1 of 4 stars; one submission).

Conditions:
Emery-Dreifuss muscular dystrophy 4, autosomal dominant (EDMD4). Also called: EMERY-DREIFUSS MUSCULAR DYSTROPHY 4 WITH VARIABLE FEATURES. Identifiers: Orphanet 261, MedGen C2751807, MONDO:0013071, OMIM 612998.

Allele frequency attached by ClinVar (database versions not stated): gnomAD exomes 0.00026 and 0.00013; TOPMed 0.00019; gnomAD 0.00020 and 0.00022; ExAC 0.00012.
gnomAD v4.1: 409 of 1,550,078 alleles (0.026%); highest among the groups gnomAD compares: Non-Finnish European, 0.033%; no homozygotes.

Submission:

Baylor Genetics
Classification: Uncertain significance for Emery-Dreifuss muscular dystrophy 4, autosomal dominant. Last evaluated: 2018-05-16. Review status: criteria provided, single submitter. Criteria: ACMG Guidelines, 2015. Collection method: clinical testing. Allele origin: paternal. Affected: yes.
Comment: This variant was determined to be of uncertain significance according to ACMG Guidelines, 2015 [PMID:25741868].

NM_182961.4(SYNE1):c.26154-2590C>G

Genes: ESR1 (estrogen receptor 1; plus strand), SYNE1 (spectrin repeat containing nuclear envelope protein 1; minus strand). Cytogenetic location: 6q25.2.
Variant type: single nucleotide variant.
Coding change: c.26154-2590C>G on transcript NM_182961.4 (MANE Select); 2590 bases into the intron before coding-DNA position 26154, C replaced by G.
Molecular consequence: intron variant. On other transcripts: missense variant (1).
Genome position (GRCh38, 1-based): chr6:152,125,266, G>C on the plus strand (C>G on the coding strand, the complement: SYNE1 is on the minus strand). VCF-style: chr6-152125266-G-C. GRCh37 (hg19) VCF-style: chr6-152446401-G-C.
Other names: c.851G>C, p.Gly284Ala (NM_001328100.2); c.26010-2590C>G (NM_033071.5); c.2701-2590C>G (NM_001347701.2); c.2688-2590C>G (NM_001347702.2); short protein forms G284A.
Identifiers: ClinVar variation 1033002 (VCV001033002.3), dbSNP rs767099068, ClinGen allele CA4052630.